The following is an entry in ClinVar:

NM_012268.4(PLD3):c.602A>T (p.His201Leu)

Gene: PLD3 (phospholipase D family member 3; plus strand). Cytogenetic location: 19q13.2.
Variant type: single nucleotide variant.
Coding change: c.602A>T on transcript NM_012268.4 (MANE Select); coding-DNA position 602, A replaced by T.
Protein change: p.His201Leu; replaces histidine 201 with leucine.
Molecular consequence: missense variant.
Genome position (GRCh38, 1-based): chr19:40,370,161, A>T. VCF-style: chr19-40370161-A-T. GRCh37 (hg19) VCF-style: chr19-40876068-A-T.
Other names: c.602A>T, p.His201Leu (NM_001031696.4, NM_001291311.2); short protein forms H201L.
Identifiers: ClinVar variation 1705294 (VCV001705294.1), dbSNP rs1404559954, ClinGen allele CA405870478.

ClinVar aggregate classification (germline): Uncertain significance (1 of 4 stars; one submission).

Conditions:
Spinocerebellar ataxia 46. Also called: SPINOCEREBELLAR ATAXIA, 46, AUTOSOMAL DOMINANT, WITH SENSORY AXONAL NEUROPATHY. Identifiers: Orphanet 589522, MedGen C4540404, MONDO:0033481, OMIM 617770.

Allele frequency attached by ClinVar (database versions not stated): TOPMed 0.00001.
gnomAD v4.1: 2 of 1,614,006 alleles (0.00012%); highest among the groups gnomAD compares: Non-Finnish European, 0.00017%; no homozygotes.

Submission:

3billion
Classification: Uncertain significance for Spinocerebellar ataxia 46. Last evaluated: 2022-09-01. Review status: criteria provided, single submitter. Criteria: ACMG Guidelines, 2015. Collection method: clinical testing. Allele origin: germline. Affected: yes. Observed: 1 heterozygote.
Comment: This missense variant is not observed in the gnomAD v2.1.1 dataset. In silico tool predictions suggest damaging effect of the variant on gene or gene product (REVEL: 0.66; 3Cnet: 0.93). Therefore, this variant is classified as uncertain significance according to the recommendation of ACMG/AMP guideline.